The following is an entry in ClinVar:

NM_053025.4(MYLK):c.2824G>T (p.Glu942Ter)

Gene: MYLK (myosin light chain kinase; minus strand). Cytogenetic location: 3q21.1.
Variant type: single nucleotide variant.
Coding change: c.2824G>T on transcript NM_053025.4 (MANE Select); coding-DNA position 2824, G replaced by T.
Protein change: p.Glu942Ter; replaces glutamic acid 942 with a stop codon.
Molecular consequence: nonsense.
Genome position (GRCh38, 1-based): chr3:123,700,644, C>A on the plus strand (G>T on the coding strand, the complement: MYLK is on the minus strand). VCF-style: chr3-123700644-C-A. GRCh37 (hg19) VCF-style: chr3-123419491-C-A.
Other names: c.2296G>T, p.Glu766Ter (NM_001321309.2); c.2617G>T, p.Glu873Ter (NM_053026.4, NM_053028.4); c.2824G>T, p.Glu942Ter (NM_053027.4); short protein forms E766*, E942*, E873*.
Identifiers: ClinVar variation 2709626 (VCV002709626.3), dbSNP rs2474179980, ClinGen allele CA354231215.

ClinVar aggregate classification (germline): Pathogenic (1 of 4 stars; one submission).

Conditions:
Aortic aneurysm, familial thoracic 7 (AAT7). Also called: AORTIC DISSECTION, FAMILIAL, WITH OR WITHOUT AORTIC ANEURYSM. Identifiers: MedGen C3151077, MONDO:0013418, OMIM 613780.

Submission:

Labcorp Genetics (formerly Invitae), Labcorp
Classification: Pathogenic for Aortic aneurysm, familial thoracic 7. Last evaluated: 2024-01-16. Review status: criteria provided, single submitter. Criteria: Invitae Variant Classification Sherloc (09022015). Collection method: clinical testing. Allele origin: germline.
Comment: This sequence change creates a premature translational stop signal (p.Glu942*) in the MYLK gene. It is expected to result in an absent or disrupted protein product. Loss-of-function variants in MYLK are known to be pathogenic (PMID: 21055718, 28602422). This variant is not present in population databases (gnomAD no frequency). This variant has not been reported in the literature in individuals affected with MYLK-related conditions. For these reasons, this variant has been classified as Pathogenic.

Literature cited by the submitters: PubMed 21055718; PubMed 28602422.